The following is an entry in ClinVar:

ClinVar aggregate classification (germline): Pathogenic (1 of 4 stars; one submission).

Allele frequency attached by ClinVar (database versions not stated): gnomAD exomes below 0.00001.
gnomAD v4.1: 2 of 1,602,630 alleles (0.00012%); highest among the groups gnomAD compares: Non-Finnish European, 0.00017%; no homozygotes.

Submission:

Labcorp Genetics (formerly Invitae), Labcorp
Classification: Pathogenic. Last evaluated: 2025-04-21. Review status: criteria provided, single submitter. Criteria: Invitae Variant Classification Sherloc (09022015). Collection method: clinical testing. Allele origin: germline.
Comment: This sequence change creates a premature translational stop signal (p.Glu4477*) in the ADGRV1 gene. It is expected to result in an absent or disrupted protein product. Loss-of-function variants in ADGRV1 are known to be pathogenic (PMID: 19357117, 22135276, 22147658, 26226137, 30718709, 31047384, 32467589). This variant is present in population databases (no rsID available, gnomAD 0.0009%). This variant has not been reported in the literature in individuals affected with ADGRV1-related conditions. ClinVar contains an entry for this variant (Variation ID: 2001008). Algorithms developed to predict the effect of sequence changes on RNA splicing suggest that this variant may disrupt the consensus splice site. For these reasons, this variant has been classified as Pathogenic.

Literature cited by the submitters: PubMed 19357117; PubMed 22135276; PubMed 22147658; PubMed 26226137; PubMed 30718709; PubMed 31047384; PubMed 32467589.

NM_032119.4(ADGRV1):c.13429G>T (p.Glu4477Ter)

Gene: ADGRV1 (adhesion G protein-coupled receptor V1; plus strand). Cytogenetic location: 5q14.3.
Variant type: single nucleotide variant.
Coding change: c.13429G>T on transcript NM_032119.4 (MANE Select); coding-DNA position 13429, G replaced by T.
Protein change: p.Glu4477Ter; replaces glutamic acid 4477 with a stop codon.
Molecular consequence: nonsense. On other transcripts: non-coding transcript variant (1).
Genome position (GRCh38, 1-based): chr5:90,783,321, G>T. VCF-style: chr5-90783321-G-T. GRCh37 (hg19) VCF-style: chr5-90079138-G-T.
Other names: short protein forms E4477*.
Identifiers: ClinVar variation 2001008 (VCV002001008.4), dbSNP rs1315773964, ClinGen allele CA360394469.